The following is an entry in ClinVar:

ClinVar aggregate classification (germline): Uncertain significance (1 of 4 stars; one submission).

Conditions:
Immunodeficiency 39 (IMD39). Identifiers: Orphanet 574918, MedGen C4225358, MONDO:0014597, OMIM 616345.

gnomAD v4.1: 2 of 1,600,656 alleles (0.00012%); highest among the groups gnomAD compares: Non-Finnish European, 0.00017%; no homozygotes.

Submission:

Labcorp Genetics (formerly Invitae), Labcorp
Classification: Uncertain significance for Immunodeficiency 39. Last evaluated: 2025-11-10. Review status: criteria provided, single submitter. Criteria: Invitae Variant Classification Sherloc (09022015). Collection method: clinical testing. Allele origin: germline.
Comment: This sequence change replaces cysteine, which is neutral and slightly polar, with serine, which is neutral and polar, at codon 39 of the IRF7 protein (p.Cys39Ser). This variant is not present in population databases (gnomAD no frequency). This variant has not been reported in the literature in individuals affected with IRF7-related conditions. Invitae Evidence Modeling of protein sequence and biophysical properties (such as structural, functional, and spatial information, amino acid conservation, physicochemical variation, residue mobility, and thermodynamic stability) indicates that this missense variant is not expected to disrupt IRF7 protein function with a negative predictive value of 80%. In summary, the available evidence is currently insufficient to determine the role of this variant in disease. Therefore, it has been classified as a Variant of Uncertain Significance.

NM_001572.5(IRF7):c.76T>A (p.Cys26Ser)

Gene: IRF7 (interferon regulatory factor 7; minus strand). Cytogenetic location: 11p15.5.
Variant type: single nucleotide variant.
Coding change: c.76T>A on transcript NM_001572.5 (MANE Select); coding-DNA position 76, T replaced by A.
Protein change: p.Cys26Ser; replaces cysteine 26 with serine.
Molecular consequence: missense variant.
Genome position (GRCh38, 1-based): chr11:615,204, A>T on the plus strand (T>A on the coding strand, the complement: IRF7 is on the minus strand). VCF-style: chr11-615204-A-T. GRCh37 (hg19) VCF-style: chr11-615204-A-T.
Other names: c.115T>A, p.Cys39Ser (NM_001440440.1, NM_001440444.1, NM_004031.4); c.76T>A, p.Cys26Ser (NM_001440442.1, NM_001440445.1, NM_001440446.1 and 1 more transcripts); short protein forms C26S, C39S.
Identifiers: ClinVar variation 4748169 (VCV004748169.1).